The following is an entry in ClinVar:

ClinVar aggregate classification (germline): Uncertain significance (1 of 4 stars; one submission).

Conditions:
Cardiovascular phenotype. Identifiers: MedGen CN230736.

Allele frequency attached by ClinVar (database versions not stated): gnomAD exomes below 0.00001; TOPMed 0.00002; gnomAD 0.00003.
gnomAD v4.1: 7 of 1,613,950 alleles (0.00043%); highest among the groups gnomAD compares: African/African-American, 0.0093%; no homozygotes.

Submission:

Ambry Genetics
Classification: Uncertain significance for Cardiovascular phenotype. Last evaluated: 2023-06-01. Review status: criteria provided, single submitter. Criteria: Ambry Variant Classification Scheme 2023. Collection method: clinical testing. Allele origin: germline.
Comment: The p.A2749S variant (also known as c.8245G>T), located in coding exon 38 of the ANK2 gene, results from a G to T substitution at nucleotide position 8245. The alanine at codon 2749 is replaced by serine, an amino acid with similar properties. This amino acid position is conserved. In addition, this alteration is predicted to be tolerated by in silico analysis. Since supporting evidence is limited at this time, the clinical significance of this alteration remains unclear.

NM_001148.6(ANK2):c.8245G>T (p.Ala2749Ser)

Gene: ANK2 (ankyrin 2; plus strand). Cytogenetic location: 4q26.
Variant type: single nucleotide variant.
Coding change: c.8245G>T on transcript NM_001148.6 (MANE Select); coding-DNA position 8245, G replaced by T.
Protein change: p.Ala2749Ser; replaces alanine 2749 with serine.
Molecular consequence: missense variant. On other transcripts: intron variant (68).
Genome position (GRCh38, 1-based): chr4:113,356,863, G>T. VCF-style: chr4-113356863-G-T. GRCh37 (hg19) VCF-style: chr4-114278019-G-T.
Other names: c.8011G>T, p.Ala2671Ser (NM_001386142.1); c.4645G>T, p.Ala1549Ser (NM_001386166.1); c.8386G>T, p.Ala2796Ser (NM_001386174.1); c.8362G>T, p.Ala2788Ser (NM_001386175.1); c.4412-3960G>T (NM_001386186.2, NM_001386148.2); c.4214-3960G>T (NM_001354269.3); c.4292-3960G>T (NM_001386187.2); c.4253-3960G>T (NM_001386147.1); and 35 more; short protein forms A2749S, A1549S, A2796S, A2671S, A2788S.
Identifiers: ClinVar variation 2231414 (VCV002231414.2), dbSNP rs1037352532, ClinGen allele CA103815984.